The following is an entry in ClinVar:

ClinVar aggregate classification (germline): Likely benign. Review status: criteria provided, multiple submitters, no conflicts (2 of 4 stars). 4 submissions from 4 submitters: Likely benign (4). Last evaluated 2024-06-09.

Conditions:
Cardiomyopathy (CMYO). Also called: Cardiomyopathies. Identifiers: Orphanet 167848, MedGen C0878544, MONDO:0004994, HP:0001638. Inheritance: Various modes of inheritance.
Hypertrophic cardiomyopathy 10. Also called: CARDIOMYOPATHY, HYPERTROPHIC, MID-LEFT VENTRICULAR CHAMBER TYPE, 2; MYL2-Related Familial Hypertrophic Cardiomyopathy. Identifiers: MedGen C1834460, MONDO:0012112, OMIM 608758.
Hypertrophic cardiomyopathy. Also called: HYPERTROPHIC MYOCARDIOPATHY. Identifiers: Orphanet 217569, MedGen C0007194, MeSH D002312, MONDO:0005045, HP:0001639.
Cardiovascular phenotype. Identifiers: MedGen CN230736.

Allele frequency attached by ClinVar (database versions not stated): gnomAD exomes below 0.00001; gnomAD 0.00001; TOPMed 0.00002.
gnomAD v4.1: 6 of 1,613,920 alleles (0.00037%); highest among the groups gnomAD compares: South Asian, 0.0022%; no homozygotes.

Submissions (4):

All of Us Research Program, National Institutes of Health
Classification: Likely benign for Hypertrophic cardiomyopathy. Last evaluated: 2024-06-09. Review status: criteria provided, single submitter. Criteria: ACMG Guidelines, 2015. Collection method: clinical testing. Allele origin: germline. Inheritance: Autosomal dominant inheritance. Observed: 2 variant alleles, 2 heterozygotes.
Comment: This study involves interpretation of variants in research participants for the purpose of population health screening. Participant phenotype was not available at the time of variant classification. Additional details can be found in publication PMID: 35346344, PMCID: PMC8962531

Labcorp Genetics (formerly Invitae), Labcorp
Classification: Likely benign for Hypertrophic cardiomyopathy 10. Last evaluated: 2023-12-13. Review status: criteria provided, single submitter. Criteria: Invitae Variant Classification Sherloc (09022015). Collection method: clinical testing. Allele origin: germline.

Ambry Genetics
Classification: Likely benign for Cardiovascular phenotype. Last evaluated: 2021-12-07. Review status: criteria provided, single submitter. Criteria: Ambry Variant Classification Scheme 2023. Collection method: clinical testing. Allele origin: germline.

Color Diagnostics, LLC DBA Color Health
Classification: Likely benign for Cardiomyopathy. Last evaluated: 2019-06-01. Review status: criteria provided, single submitter. Criteria: ACMG Guidelines, 2015. Collection method: clinical testing. Allele origin: germline.

NM_000432.4(MYL2):c.483C>T (p.His161=)

Gene: MYL2 (myosin light chain 2; minus strand). Cytogenetic location: 12q24.11.
Variant type: single nucleotide variant.
Coding change: c.483C>T on transcript NM_000432.4 (MANE Select); coding-DNA position 483, C replaced by T.
Protein change: p.His161=; no amino-acid change (histidine 161 retained).
Molecular consequence: synonymous variant.
Genome position (GRCh38, 1-based): chr12:110,911,095, G>A on the plus strand (C>T on the coding strand, the complement: MYL2 is on the minus strand). VCF-style: chr12-110911095-G-A. GRCh37 (hg19) VCF-style: chr12-111348899-G-A.
Identifiers: ClinVar variation 924599 (VCV000924599.16), dbSNP rs886039108, ClinGen allele CA481750664.